The following is an entry in ClinVar:

NM_000214.3(JAG1):c.1977G>A (p.Trp659Ter)

Gene: JAG1 (jagged canonical Notch ligand 1; minus strand). Cytogenetic location: 20p12.2.
Variant type: single nucleotide variant.
Coding change: c.1977G>A on transcript NM_000214.3 (MANE Select); coding-DNA position 1977, G replaced by A.
Protein change: p.Trp659Ter; replaces tryptophan 659 with a stop codon.
Molecular consequence: nonsense.
Genome position (GRCh38, 1-based): chr20:10,645,993, C>T on the plus strand (G>A on the coding strand, the complement: JAG1 is on the minus strand). VCF-style: chr20-10645993-C-T. GRCh37 (hg19) VCF-style: chr20-10626641-C-T.
Other names: c.1977G>A, p.Trp659Ter (LRG_1191t1); short protein forms W659*.
Identifiers: ClinVar variation 665385 (VCV000665385.10), dbSNP rs1600182107, ClinGen allele CA408235695.

ClinVar aggregate classification (germline): Pathogenic (1 of 4 stars; one submission).

Conditions:
Alagille syndrome due to a JAG1 point mutation. Also called: JAG1-Related Alagille Syndrome; HEPATIC DUCTULAR HYPOPLASIA, SYNDROMATIC; Alagille Syndrome 1. Identifiers: Orphanet 261619, Orphanet 52, MedGen C1956125, MONDO:0016862, OMIM 118450.

Submission:

Labcorp Genetics (formerly Invitae), Labcorp
Classification: Pathogenic for Alagille syndrome due to a JAG1 point mutation. Last evaluated: 2019-01-14. Review status: criteria provided, single submitter. Criteria: Invitae Variant Classification Sherloc (09022015). Collection method: clinical testing. Allele origin: germline.
Comment: Variants resulting in this protein change have been observed to be de novo in individuals affected with Alagille syndrome (PMID: 29783821, 12497640). This variant is not present in population databases (ExAC no frequency). This sequence change creates a premature translational stop signal (p.Trp659*) in the JAG1 gene. It is expected to result in an absent or disrupted protein product. Loss-of-function variants in JAG1 are known to be pathogenic (PMID: 11180599). For these reasons, this variant has been classified as Pathogenic.

Literature cited by the submitters: PubMed 29783821; PubMed 12497640; PubMed 11180599.